The following is an entry in ClinVar:

ClinVar aggregate classification (germline): Likely benign. Review status: criteria provided, single submitter (1 of 4 stars). 2 submissions from 2 submitters: Likely benign (1). 1 of the submissions does not count toward it. Last evaluated 2024-05-15.

Conditions:
Rubinstein-Taybi syndrome due to EP300 haploinsufficiency. Also called: EP300-Related Rubinstein-Taybi Syndrome; RUBINSTEIN-TAYBI SYNDROME 2. Identifiers: Orphanet 353284, Orphanet 783, MedGen C3150941, MONDO:0013364, OMIM 613684.
EP300-related disorder. Also called: EP300-related condition; EP300-related disorders.

Allele frequency attached by ClinVar (database versions not stated): TOPMed 0.00002; gnomAD exomes 0.00003.
gnomAD v4.1: 37 of 1,614,166 alleles (0.0023%); highest among the groups gnomAD compares: Non-Finnish European, 0.0031%; no homozygotes.

Submissions (2):

Labcorp Genetics (formerly Invitae), Labcorp
Classification: Likely benign for Rubinstein-Taybi syndrome due to EP300 haploinsufficiency. Last evaluated: 2024-05-15. Review status: criteria provided, single submitter. Criteria: Invitae Variant Classification Sherloc (09022015). Collection method: clinical testing. Allele origin: germline.

PreventionGenetics, part of Exact Sciences
Classification: Likely benign for EP300-related condition. Last evaluated: 2021-06-02. Review status: no assertion criteria provided. Collection method: clinical testing. Allele origin: germline. Not counted in ClinVar's aggregate classification.
Comment: This variant is classified as likely benign based on ACMG/AMP sequence variant interpretation guidelines (Richards et al. 2015 PMID: 25741868, with internal and published modifications).

NM_001429.4(EP300):c.6144A>G (p.Gln2048=)

Gene: EP300 (EP300 lysine acetyltransferase; plus strand). Cytogenetic location: 22q13.2.
Variant type: single nucleotide variant.
Coding change: c.6144A>G on transcript NM_001429.4 (MANE Select); coding-DNA position 6144, A replaced by G.
Protein change: p.Gln2048=; no amino-acid change (glutamine 2048 retained).
Molecular consequence: synonymous variant.
Genome position (GRCh38, 1-based): chr22:41,177,855, A>G. VCF-style: chr22-41177855-A-G. GRCh37 (hg19) VCF-style: chr22-41573859-A-G.
Other names: c.6144A>G (NM_001429.3); c.6066A>G, p.Gln2022= (NM_001362843.2).
Identifiers: ClinVar variation 1950587 (VCV001950587.6), dbSNP rs1193267661, ClinGen allele CA514794657.